The following is an entry in ClinVar:

NM_001164508.2(NEB):c.22375-2A>G

Genes: NEB (nebulin; minus strand), RIF1 (replication timing regulatory factor 1; plus strand). Cytogenetic location: 2q23.3.
Variant type: single nucleotide variant.
Coding change: c.22375-2A>G on transcript NM_001164508.2 (MANE Select); the canonical splice acceptor site of the intron before coding-DNA position 22375, A replaced by G.
Molecular consequence: splice acceptor variant.
Genome position (GRCh38, 1-based): chr2:151,524,417, T>C on the plus strand (A>G on the coding strand, the complement: NEB is on the minus strand). VCF-style: chr2-151524417-T-C. GRCh37 (hg19) VCF-style: chr2-152380931-T-C.
Other names: c.17272-2A>G (NM_004543.5); c.22375-2A>G (NM_001164507.2); c.22480-2A>G (NM_001271208.2).
Identifiers: ClinVar variation 1508220 (VCV001508220.8), dbSNP rs2153437998, ClinGen allele CA348764913.

ClinVar aggregate classification (germline): Likely pathogenic (1 of 4 stars; one submission).

Conditions:
Nemaline myopathy 2 (NEM2). Also called: Nemaline myopathy 2, autosomal recessive. Identifiers: MedGen C1850569, MONDO:0009725, OMIM 256030.

gnomAD v4.1: 1 of 1,613,950 alleles (0.000062%); highest among the groups gnomAD compares: East Asian, 0.0022%; no homozygotes.

Submission:

Labcorp Genetics (formerly Invitae), Labcorp
Classification: Likely pathogenic for Nemaline myopathy 2. Last evaluated: 2023-01-15. Review status: criteria provided, single submitter. Criteria: Invitae Variant Classification Sherloc (09022015). Collection method: clinical testing. Allele origin: germline.
Comment: In summary, the currently available evidence indicates that the variant is pathogenic, but additional data are needed to prove that conclusively. Therefore, this variant has been classified as Likely Pathogenic. Algorithms developed to predict the effect of sequence changes on RNA splicing suggest that this variant may disrupt the consensus splice site. ClinVar contains an entry for this variant (Variation ID: 1508220). This variant has not been reported in the literature in individuals affected with NEB-related conditions. This variant is not present in population databases (gnomAD no frequency). This sequence change affects an acceptor splice site in intron 153 of the NEB gene. It is expected to disrupt RNA splicing. Variants that disrupt the donor or acceptor splice site typically lead to a loss of protein function (PMID: 16199547), and loss-of-function variants in NEB are known to be pathogenic (PMID: 25205138).

Literature cited by the submitters: PubMed 16199547; PubMed 25205138.